The following is an entry in ClinVar:

ClinVar aggregate classification (germline): Pathogenic (1 of 4 stars; one submission).

Conditions:
Severe combined immunodeficiency due to IKK2 deficiency. Also called: Immunodeficiency 15; IMMUNODEFICIENCY 15B. Identifiers: Orphanet 397787, MedGen C4747743, MONDO:0014267, OMIM 615592.

Submission:

Labcorp Genetics (formerly Invitae), Labcorp
Classification: Pathogenic for Severe combined immunodeficiency due to IKK2 deficiency. Last evaluated: 2023-07-13. Review status: criteria provided, single submitter. Criteria: Invitae Variant Classification Sherloc (09022015). Collection method: clinical testing. Allele origin: unknown.
Comment: This variant is a gross deletion of the genomic region encompassing exon(s) 3 of the IKBKB gene. This deletion is out-of-frame, and is expected to create a premature termination codon and result in an absent or disrupted protein product. Loss-of-function variants in IKBKB are known to be pathogenic (PMID: 24369075, 24679846). This variant has not been reported in the literature in individuals affected with IKBKB-related conditions. For these reasons, this variant has been classified as Pathogenic.

Literature cited by the submitters: PubMed 24369075; PubMed 24679846.

NC_000008.10:g.(?_42146132)_(42146266_?)del

Gene: IKBKB (inhibitor of nuclear factor kappa B kinase subunit beta; plus strand). Cytogenetic location: 8p11.21.
Variant type: Deletion.
Identifiers: ClinVar variation 3245532 (VCV003245532.1).